The following is an entry in ClinVar:

NM_001282684.2(KCTD17):c.299-3C>G

Gene: KCTD17 (potassium channel tetramerization domain containing 17; plus strand). Cytogenetic location: 22q12.3.
Variant type: single nucleotide variant.
Coding change: c.299-3C>G on transcript NM_001282684.2 (MANE Select); 3 bases into the intron before coding-DNA position 299, C replaced by G.
Molecular consequence: intron variant.
Genome position (GRCh38, 1-based): chr22:37,056,317, C>G. VCF-style: chr22-37056317-C-G. GRCh37 (hg19) VCF-style: chr22-37452357-C-G.
Other names: c.299-3C>G (NM_024681.4, NM_001282685.2, NM_001282686.2).
Identifiers: ClinVar variation 3658004 (VCV003658004.3).

ClinVar aggregate classification (germline): Uncertain significance (1 of 4 stars; one submission).

Conditions:
Myoclonic dystonia 26. Identifiers: MedGen C4225341, MONDO:0014620, OMIM 616398.

Submissions (2):

Labcorp Genetics (formerly Invitae), Labcorp
Classification: Uncertain significance for Myoclonic dystonia 26. Last evaluated: 2024-09-22. Review status: criteria provided, single submitter. Criteria: Invitae Variant Classification Sherloc (09022015). Collection method: clinical testing. Allele origin: germline.
Comment: This sequence change falls in intron 2 of the KCTD17 gene. It does not directly change the encoded amino acid sequence of the KCTD17 protein. It affects a nucleotide within the consensus splice site. This variant is not present in population databases (gnomAD no frequency). This variant has not been reported in the literature in individuals affected with KCTD17-related conditions. Variants that disrupt the consensus splice site are a relatively common cause of aberrant splicing (PMID: 17576681, 9536098). Algorithms developed to predict the effect of sequence changes on RNA splicing suggest that this variant may disrupt the consensus splice site. In summary, the available evidence is currently insufficient to determine the role of this variant in disease. Therefore, it has been classified as a Variant of Uncertain Significance.

Dr. Peter K. Rogan Lab, Western University
No classification provided (evidence only). Condition: Ovarian serous cystadenocarcinoma. Review status: no classification provided. Collection method: in vitro. Allele origin: not applicable. Functional consequence: retained intron. Not counted in ClinVar's aggregate classification.

Literature cited by the submitters: PubMed 17576681 (cited by Labcorp Genetics (formerly Invitae), Labcorp); PubMed 9536098 (cited by Labcorp Genetics (formerly Invitae), Labcorp).